The following is an entry in ClinVar:

ClinVar aggregate classification (germline): Likely benign. Review status: criteria provided, multiple submitters, no conflicts (2 of 4 stars). 2 submissions from 2 submitters: Likely benign (2). Last evaluated 2026-01-13.

Conditions:
beta Thalassemia (BTHAL). Also called: Cooley's anemia; Erythroblastic anemia; Mediterranean anemia. Identifiers: Orphanet 848, MedGen C0005283, MONDO:0019402. Disease mechanism: loss of function.

Allele frequency attached by ClinVar (database versions not stated): ExAC 0.00002; gnomAD 0.00001; gnomAD exomes 0.00001 and below 0.00001; 1000 Genomes Project 30x 0.00016; 1000 Genomes Project 0.00020.
gnomAD v4.1: 11 of 1,613,098 alleles (0.00068%); highest among the groups gnomAD compares: South Asian, 0.0088%; no homozygotes.

Submissions (2):

Labcorp Genetics (formerly Invitae), Labcorp
Classification: Likely benign. Last evaluated: 2026-01-13. Review status: criteria provided, single submitter. Criteria: Invitae Variant Classification Sherloc (09022015). Collection method: clinical testing. Allele origin: germline.

Genetics Laboratory, Al-Manara University for Medical Sciences
Classification: Likely benign for beta Thalassemia. Last evaluated: 2024-05-24. Review status: criteria provided, single submitter. Criteria: ACMG Guidelines, 2015. Collection method: research. Allele origin: germline.
Comment: The HBB:c.316-31C>T (IVS-II-820C>T) variant in the HBB gene (NM_000518.5), located in intron 2, splice distance about -31 bases to the nearest splice site. This variant meets criteria to be classified as likely benign for beta thalassemia according to ACMG/AMP criteria applied: BP4_Moderate, BP6_Supporting, and PM2_Supporting. This variant has been reported as likely benign in ClinVar (Accessions: SCV001610367.5).

NM_000518.5(HBB):c.316-31C>T

Genes: HBB (hemoglobin subunit beta; minus strand), LOC107133510 (origin of replication at HBB; plus strand), LOC110006319 (beta-globin gene 3' regulatory region; plus strand). Cytogenetic location: 11p15.4.
Variant type: single nucleotide variant.
Coding change: c.316-31C>T on transcript NM_000518.5 (MANE Select); 31 bases into the intron before coding-DNA position 316, C replaced by T.
Molecular consequence: intron variant.
Genome position (GRCh38, 1-based): chr11:5,225,757, G>A on the plus strand (C>T on the coding strand, the complement: HBB is on the minus strand). VCF-style: chr11-5225757-G-A. GRCh37 (hg19) VCF-style: chr11-5246987-G-A.
Identifiers: ClinVar variation 1089508 (VCV001089508.10), dbSNP rs578102677, ClinGen allele CA5839720.